The following is an entry in ClinVar:

ClinVar aggregate classification (germline): Uncertain significance (1 of 4 stars; one submission).

Conditions:
Epidermolysis bullosa simplex 5B, with muscular dystrophy (EBS5B). Also called: EPIDERMOLYSIS BULLOSA SIMPLEX AND LIMB-GIRDLE MUSCULAR DYSTROPHY; Epidermolysis bullosa simplex with muscular dystrophy. Identifiers: Orphanet 257, MedGen C2931072, MONDO:0009181, OMIM 226670.
Epidermolysis bullosa simplex, Ogna type (EBS5A). Also called: Pidermolysis bullosa simplex 5A, Ogna type; EPIDERMOLYSIS BULLOSA SIMPLEX 5A, OGNA TYPE. Identifiers: Orphanet 79401, MedGen C0432317, MONDO:0007555, OMIM 131950.
Epidermolysis bullosa simplex 5C, with pyloric atresia (EBS5C). Also called: Epidermolysis bullosa simplex with pyloric atresia; PLEC-Related Epidermolysis Bullosa with Pyloric Atresia; PLEC1-Related Epidermolysis Bullosa with Pyloric Atresia. Identifiers: Orphanet 158684, MedGen C2677349, MONDO:0012807, OMIM 612138.
Autosomal recessive limb-girdle muscular dystrophy type 2Q (LGMDR17). Also called: MUSCULAR DYSTROPHY, LIMB-GIRDLE, AUTOSOMAL RECESSIVE 17. Identifiers: Orphanet 254361, MedGen C3150989, MONDO:0013390, OMIM 613723.
Epidermolysis bullosa simplex with nail dystrophy (EBS5D). Identifiers: MedGen C4225309, MONDO:0014661, OMIM 616487.

gnomAD v4.1: 2 of 1,611,836 alleles (0.00012%); highest among the groups gnomAD compares: African/African-American, 0.0013%; no homozygotes.

Submission:

Labcorp Genetics (formerly Invitae), Labcorp
Classification: Uncertain significance for Autosomal recessive limb-girdle muscular dystrophy type 2Q; Epidermolysis bullosa simplex, Ogna type; Epidermolysis bullosa simplex with nail dystrophy; Epidermolysis bullosa simplex 5C, with pyloric atresia; Epidermolysis bullosa simplex 5B, with muscular dystrophy. Last evaluated: 2025-02-23. Review status: criteria provided, single submitter. Criteria: Invitae Variant Classification Sherloc (09022015). Collection method: clinical testing. Allele origin: germline.
Comment: This sequence change replaces glycine, which is neutral and non-polar, with aspartic acid, which is acidic and polar, at codon 2942 of the PLEC protein (p.Gly2942Asp). This variant is not present in population databases (gnomAD no frequency). This variant has not been reported in the literature in individuals affected with PLEC-related conditions. An algorithm developed to predict the effect of missense changes on protein structure and function (PolyPhen-2) suggests that this variant is likely to be disruptive. In summary, the available evidence is currently insufficient to determine the role of this variant in disease. Therefore, it has been classified as a Variant of Uncertain Significance.

NM_201384.3(PLEC):c.8744G>A (p.Gly2915Asp)

Gene: PLEC (plectin; minus strand). Cytogenetic location: 8q24.3.
Variant type: single nucleotide variant.
Coding change: c.8744G>A on transcript NM_201384.3 (MANE Select); coding-DNA position 8744, G replaced by A.
Protein change: p.Gly2915Asp; replaces glycine 2915 with aspartic acid.
Molecular consequence: missense variant.
Genome position (GRCh38, 1-based): chr8:143,921,077, C>T on the plus strand (G>A on the coding strand, the complement: PLEC is on the minus strand). VCF-style: chr8-143921077-C-T. GRCh37 (hg19) VCF-style: chr8-144995245-C-T.
Other names: c.8825G>A, p.Gly2942Asp (NM_000445.5); c.5444G>A, p.Gly1815Asp (NM_001410941.1); c.8702G>A, p.Gly2901Asp (NM_201378.4); c.8678G>A, p.Gly2893Asp (NM_201379.3); c.9155G>A, p.Gly3052Asp (NM_201380.4); c.8648G>A, p.Gly2883Asp (NM_201381.3); c.8744G>A, p.Gly2915Asp (NM_201382.4); c.8756G>A, p.Gly2919Asp (NM_201383.3); short protein forms G2901D, G3052D, G1815D, G2893D, G2919D, G2942D, G2883D, G2915D.
Identifiers: ClinVar variation 4793876 (VCV004793876.1).